The following is an entry in ClinVar:

ClinVar aggregate classification (germline): Uncertain significance (1 of 4 stars; one submission).

Allele frequency attached by ClinVar (database versions not stated): gnomAD exomes below 0.00001; ExAC 0.00001.
gnomAD v4.1: 1 of 1,613,988 alleles (0.000062%); highest among the groups gnomAD compares: Admixed American, 0.0017%; no homozygotes.

Submission:

Labcorp Genetics (formerly Invitae), Labcorp
Classification: Uncertain significance. Last evaluated: 2025-06-22. Review status: criteria provided, single submitter. Criteria: Invitae Variant Classification Sherloc (09022015). Collection method: clinical testing. Allele origin: germline.
Comment: This sequence change replaces serine, which is neutral and polar, with leucine, which is neutral and non-polar, at codon 174 of the MBD4 protein (p.Ser174Leu). This variant is present in population databases (rs777902580, gnomAD 0.003%). This variant has not been reported in the literature in individuals affected with MBD4-related conditions. ClinVar contains an entry for this variant (Variation ID: 2868668). An algorithm developed to predict the effect of missense changes on protein structure and function (PolyPhen-2) suggests that this variant is likely to be disruptive. In summary, the available evidence is currently insufficient to determine the role of this variant in disease. Therefore, it has been classified as a Variant of Uncertain Significance.

NM_001276270.2(MBD4):c.521C>T (p.Ser174Leu)

Gene: MBD4 (methyl-CpG binding domain 4, DNA glycosylase; minus strand). Cytogenetic location: 3q21.3.
Variant type: single nucleotide variant.
Coding change: c.521C>T on transcript NM_001276270.2 (MANE Select); coding-DNA position 521, C replaced by T.
Protein change: p.Ser174Leu; replaces serine 174 with leucine.
Molecular consequence: missense variant. On other transcripts: intron variant (1).
Genome position (GRCh38, 1-based): chr3:129,437,123, G>A on the plus strand (C>T on the coding strand, the complement: MBD4 is on the minus strand). VCF-style: chr3-129437123-G-A. GRCh37 (hg19) VCF-style: chr3-129155966-G-A.
Other names: c.521C>T, p.Ser174Leu (NM_001276271.2, NM_001276272.2, NM_003925.3); c.247+685C>T (NM_001276273.2); short protein forms S174L.
Identifiers: ClinVar variation 2868668 (VCV002868668.3), dbSNP rs777902580, ClinGen allele CA2605515.